The following is an entry in ClinVar:

NM_001384140.1(PCDH15):c.2138A>G (p.Asn713Ser)

Gene: PCDH15 (protocadherin related 15; minus strand). Cytogenetic location: 10q21.1.
Variant type: single nucleotide variant.
Coding change: c.2138A>G on transcript NM_001384140.1 (MANE Select); coding-DNA position 2138, A replaced by G.
Protein change: p.Asn713Ser; replaces asparagine 713 with serine.
Molecular consequence: missense variant.
Genome position (GRCh38, 1-based): chr10:54,066,839, T>C on the plus strand (A>G on the coding strand, the complement: PCDH15 is on the minus strand). VCF-style: chr10-54066839-T-C. GRCh37 (hg19) VCF-style: chr10-55826599-T-C.
Other names: NM_001384140.1(PCDH15):c.2138A>G; p.Asn713Ser; c.2153A>G, p.Asn718Ser (NM_001142763.2, NM_001142771.2); c.2138A>G, p.Asn713Ser (NM_001142764.2, NM_001142766.2, NM_001142770.3 and 5 more transcripts); c.1925A>G, p.Asn642Ser (NM_001142765.2); c.2027A>G, p.Asn676Ser (NM_001142767.2); c.2072A>G, p.Asn691Ser (NM_001142768.2, NM_001142773.2, NM_001354404.2); c.2174A>G, p.Asn725Ser (NM_001142769.4); and 1 more; short protein forms N713S, N718S, N725S, N642S, N676S, N691S, N720S.
Identifiers: ClinVar variation 286893 (VCV000286893.10), dbSNP rs190878515, ClinGen allele CA10605607.

ClinVar aggregate classification (germline): Uncertain significance. Review status: criteria provided, multiple submitters, no conflicts (2 of 4 stars). 4 submissions from 4 submitters: Uncertain significance (4). Last evaluated 2023-01-24.

Conditions:
Usher syndrome type 1 (USH1). Also called: RETINITIS PIGMENTOSA AND CONGENITAL DEAFNESS. Identifiers: Orphanet 231169, Orphanet 886, MedGen C1568247, MONDO:0010168, OMIM 276900.
Usher syndrome type 1F (USH1F). Also called: USHER SYNDROME, TYPE IF. Identifiers: Orphanet 231169, Orphanet 886, MedGen C1865885, MONDO:0011186, OMIM 602083.

Allele frequency attached by ClinVar (database versions not stated): gnomAD exomes 0.00001; gnomAD 0.00003; TOPMed 0.00003; 1000 Genomes Project 30x 0.00016; 1000 Genomes Project 0.00020.
gnomAD v4.1: 20 of 1,613,456 alleles (0.0012%); highest among the groups gnomAD compares: East Asian, 0.02%; no homozygotes.

Submissions (4):

Broad Center for Mendelian Genomics, Broad Institute of MIT and Harvard
Classification: Uncertain significance for Usher syndrome type 1F. Last evaluated: 2023-01-24. Review status: criteria provided, single submitter. Criteria: ACMG Guidelines, 2015. Collection method: curation. Allele origin: germline. Inheritance: Autosomal recessive inheritance.
Comment: The p.Asn713Ser variant in PCDH15 has not been previously reported in the literature in individuals with Usher syndrome type 1F but has been identified in 0.005% (1/18380) of East Asian chromosomes by the Genome Aggregation Database (gnomAD; dbSNP ID: rs190878515). Although this variant has been seen in the general population in a heterozygous state, its frequency is low enough to be consistent with a recessive carrier frequency. This variant has also been reported in ClinVar (Variation ID#: 286893) and has been interpreted as a variant of uncertain significance by Eurofins NTD LLC (GA) and Illumina Laboratory Services (Illumina). Computational prediction tools and conservation analyses do not provide strong support for or against an impact to the protein. In summary, the clinical significance of the p.Asn713Ser variant is uncertain. ACMG/AMP Criteria applied: PM2_supporting (Richards 2015).

Labcorp Genetics (formerly Invitae), Labcorp
Classification: Uncertain significance. Last evaluated: 2022-07-11. Review status: criteria provided, single submitter. Criteria: Invitae Variant Classification Sherloc (09022015). Collection method: clinical testing. Allele origin: germline.
Comment: This sequence change replaces asparagine, which is neutral and polar, with serine, which is neutral and polar, at codon 713 of the PCDH15 protein (p.Asn713Ser). This variant is present in population databases (rs190878515, gnomAD 0.006%). This missense change has been observed in individual(s) with clinical features of PCDH15-related conditions (PMID: 31054281). This variant is also known as c.2153A>G (p.Asn718Ser). ClinVar contains an entry for this variant (Variation ID: 286893). Algorithms developed to predict the effect of missense changes on protein structure and function are either unavailable or do not agree on the potential impact of this missense change (SIFT: "Tolerated"; PolyPhen-2: "Possibly Damaging"; Align-GVGD: "Class C0"). Algorithms developed to predict the effect of sequence changes on RNA splicing suggest that this variant may create or strengthen a splice site. In summary, the available evidence is currently insufficient to determine the role of this variant in disease. Therefore, it has been classified as a Variant of Uncertain Significance.

Illumina Laboratory Services, Illumina
Classification: Uncertain significance for Usher syndrome type 1. Last evaluated: 2018-01-12. Review status: criteria provided, single submitter. Criteria: ICSL Variant Classification Criteria 13 December 2019. Collection method: clinical testing. Allele origin: germline.

Eurofins Ntd Llc (ga)
Classification: Uncertain significance. Last evaluated: 2016-03-16. Review status: criteria provided, single submitter. Criteria: EGL Classification Definitions 2015. Collection method: clinical testing. Allele origin: germline. Observed: 1 variant allele, 1 heterozygote.

Literature cited by the submitters: PubMed 31054281 (cited by Labcorp Genetics (formerly Invitae), Labcorp).